The following is an entry in ClinVar:

NM_005144.5(HR):c.1577T>C (p.Leu526Pro)

Gene: HR (HR lysine demethylase and nuclear receptor corepressor; minus strand). Cytogenetic location: 8p21.3.
Variant type: single nucleotide variant.
Coding change: c.1577T>C on transcript NM_005144.5 (MANE Select); coding-DNA position 1577, T replaced by C.
Protein change: p.Leu526Pro; replaces leucine 526 with proline.
Molecular consequence: missense variant.
Genome position (GRCh38, 1-based): chr8:22,125,484, A>G on the plus strand (T>C on the coding strand, the complement: HR is on the minus strand). VCF-style: chr8-22125484-A-G. GRCh37 (hg19) VCF-style: chr8-21982997-A-G.
Other names: c.1577T>C, p.Leu526Pro (NM_018411.4); short protein forms L526P.
Identifiers: ClinVar variation 362511 (VCV000362511.15), dbSNP rs56140348, ClinGen allele CA4662407.

ClinVar aggregate classification (germline): Benign. Review status: criteria provided, multiple submitters, no conflicts (2 of 4 stars). 5 submissions from 4 submitters: Benign (5). Last evaluated 2026-02-02.

Conditions:
Atrichia with papular lesions (APL). Also called: PAPULAR ATRICHIA. Identifiers: Orphanet 86819, MedGen C1859592, MONDO:0008847, OMIM 209500.
Alopecia universalis congenita (ALUNC). Also called: ATRICHIA, GENERALIZED. Identifiers: Orphanet 701, MedGen C1859877, MONDO:0008757, OMIM 203655.

Allele frequency attached by ClinVar (database versions not stated): gnomAD exomes 0.10796 and 0.11097; ExAC 0.11967; 1000 Genomes Project 0.15216; 1000 Genomes Project 30x 0.15740; gnomAD 0.18343 and 0.19328; TOPMed 0.19323; ESP Exome Variant Server 0.20694.
gnomAD v4.1: 186,659 of 1,613,178 alleles (12%); highest among the groups gnomAD compares: African/African-American, 39%; 14,576 homozygotes.

Submissions (5):

Labcorp Genetics (formerly Invitae), Labcorp
Classification: Benign. Last evaluated: 2026-02-02. Review status: criteria provided, single submitter. Criteria: Invitae Variant Classification Sherloc (09022015). Collection method: clinical testing. Allele origin: germline.

GeneDx
Classification: Benign. Last evaluated: 2021-06-09. Review status: criteria provided, single submitter. Criteria: GeneDx Variant Classification Process June 2021. Collection method: clinical testing. Allele origin: germline. Affected: yes.

Illumina Laboratory Services, Illumina
Classification: Benign for Alopecia universalis congenita. Last evaluated: 2018-01-12. Review status: criteria provided, single submitter. Criteria: ICSL Variant Classification Criteria 13 December 2019. Collection method: clinical testing. Allele origin: germline.
Comment: This variant was observed in the ICSL laboratory as part of a predisposition screen in an ostensibly healthy population. It had not been previously curated by ICSL or reported in the Human Gene Mutation Database (HGMD: prior to June 1st, 2018), and was therefore a candidate for classification through an automated scoring system. Utilizing variant allele frequency, disease prevalence and penetrance estimates, and inheritance mode, an automated score was calculated to assess if this variant is too frequent to cause the disease. Based on the score and internal cut-off values, a variant classified as benign is not then subjected to further curation. The score for this variant resulted in a classification of benign for this disease.

Illumina Laboratory Services, Illumina
Classification: Benign for Atrichia with papular lesions. Last evaluated: 2018-01-12. Review status: criteria provided, single submitter. Criteria: ICSL Variant Classification Criteria 13 December 2019. Collection method: clinical testing. Allele origin: germline.
Comment: the same text as in the submission from Illumina Laboratory Services, Illumina above.

Breakthrough Genomics
Classification: Benign. Review status: criteria provided, single submitter. Criteria: ACMG Guidelines, 2015. Collection method: not provided. Allele origin: germline. Inheritance: Autosomal recessive inheritance. Affected: yes.